The following is an entry in ClinVar:

NM_030632.3(ASXL3):c.351T>C (p.Asn117=)

Gene: ASXL3 (ASXL transcriptional regulator 3; plus strand). Cytogenetic location: 18q12.1.
Variant type: single nucleotide variant.
Coding change: c.351T>C on transcript NM_030632.3 (MANE Select); coding-DNA position 351, T replaced by C.
Protein change: p.Asn117=; no amino-acid change (asparagine 117 retained).
Molecular consequence: synonymous variant.
Genome position (GRCh38, 1-based): chr18:33,646,349, T>C. VCF-style: chr18-33646349-T-C. GRCh37 (hg19) VCF-style: chr18-31226313-T-C.
Other names: c.351T>C (NM_030632.2).
Identifiers: ClinVar variation 1226096 (VCV001226096.4), dbSNP rs371996020, ClinGen allele CA8933513.
Genomic context (GRCh38, chr18:33,646,349, plus strand): 5'-CTGTGAATCTGAATTGGATGGTACAGATATGGCCGAGGCAAATGCCCATGGAGAAGAAAA[T>C]GGAGGTAAGTGTGATGAATTCCAAAATATAATCCCTTGTTCTCTTAAAAGTTATATAGAA-3'
Protein context (NP_085135.1, residues 107-127): MAEANAHGEE[Asn117=]GVCSKQVTDE

ClinVar aggregate classification (germline): Benign/Likely benign. Review status: criteria provided, multiple submitters, no conflicts (2 of 4 stars). 2 submissions from 2 submitters: Benign (1); Likely benign (1). Last evaluated 2024-10-31.

Conditions:
ASXL3-related disorder. Also called: ASXL3-related condition. Identifiers: MedGen CN381524.

Allele frequency attached by ClinVar (database versions not stated): ESP Exome Variant Server 0.00017; gnomAD exomes 0.00006; ExAC 0.00008.
gnomAD v4.1: 59 of 1,604,564 alleles (0.0037%); highest among the groups gnomAD compares: African/African-American, 0.077%; no homozygotes.

Submissions (2):

PreventionGenetics, part of Exact Sciences
Classification: Likely benign for ASXL3-related condition. Last evaluated: 2024-10-31. Review status: criteria provided, single submitter. Criteria: ACMG Guidelines, 2015. Collection method: clinical testing. Allele origin: germline.
Comment: This variant is classified as likely benign based on ACMG/AMP sequence variant interpretation guidelines (Richards et al. 2015 PMID: 25741868, with internal and published modifications).

GeneDx
Classification: Benign. Last evaluated: 2020-03-24. Review status: criteria provided, single submitter. Criteria: GeneDx Variant Classification Process June 2021. Collection method: clinical testing. Allele origin: germline. Affected: yes.